The following is an entry in ClinVar:

NM_000782.5(CYP24A1):c.473T>C (p.Val158Ala)

Gene: CYP24A1 (cytochrome P450 family 24 subfamily A member 1; minus strand). Cytogenetic location: 20q13.2.
Variant type: single nucleotide variant.
Coding change: c.473T>C on transcript NM_000782.5 (MANE Select); coding-DNA position 473, T replaced by C.
Protein change: p.Val158Ala; replaces valine 158 with alanine.
Molecular consequence: missense variant.
Genome position (GRCh38, 1-based): chr20:54,171,647, A>G on the plus strand (T>C on the coding strand, the complement: CYP24A1 is on the minus strand). VCF-style: chr20-54171647-A-G. GRCh37 (hg19) VCF-style: chr20-52788186-A-G.
Other names: p.Val158Ala; c.473T>C, p.Val158Ala (NM_001128915.2); short protein forms V158A.
Identifiers: ClinVar variation 895613 (VCV000895613.14), dbSNP rs139655790, ClinGen allele CA9916138.

ClinVar aggregate classification (germline): Conflicting classifications of pathogenicity. Review status: criteria provided, conflicting classifications (1 of 4 stars). 4 submissions from 4 submitters: Uncertain significance (3); Likely benign (1). Last evaluated 2025-11-23.

Conditions:
Hypercalcemia, infantile, 1 (HCINF1). Identifiers: Orphanet 300547, MedGen CN031131, MONDO:0020739, OMIM 143880.
Inborn genetic diseases. Identifiers: MedGen C0950123, MeSH D030342.

Allele frequency attached by ClinVar (database versions not stated): gnomAD 0.00027 and 0.00029; TOPMed 0.00032; ESP Exome Variant Server 0.00038; gnomAD exomes 0.00045 and 0.00084; ExAC 0.00062.
gnomAD v4.1: 1,257 of 1,613,764 alleles (0.078%); highest among the groups gnomAD compares: Non-Finnish European, 0.1%; 1 homozygote.

Submissions (4):

Labcorp Genetics (formerly Invitae), Labcorp
Classification: Likely benign. Last evaluated: 2025-11-23. Review status: criteria provided, single submitter. Criteria: Invitae Variant Classification Sherloc (09022015). Collection method: clinical testing. Allele origin: germline.

Mayo Clinic Laboratories, Mayo Clinic
Classification: Uncertain significance. Last evaluated: 2024-04-15. Review status: criteria provided, single submitter. Criteria: ACMG Guidelines, 2015. Collection method: clinical testing. Allele origin: germline. Observed: 1 variant allele.
Comment: BP4

Ambry Genetics
Classification: Uncertain significance for Inborn genetic diseases. Last evaluated: 2021-07-27. Review status: criteria provided, single submitter. Criteria: Ambry Variant Classification Scheme 2023. Collection method: clinical testing. Allele origin: germline.

Illumina Laboratory Services, Illumina
Classification: Uncertain significance for Hypercalcemia, infantile, 1. Last evaluated: 2018-01-13. Review status: criteria provided, single submitter. Criteria: ICSL Variant Classification Criteria 13 December 2019. Collection method: clinical testing. Allele origin: germline.